The following is an entry in ClinVar:

ClinVar aggregate classification (germline): Uncertain significance (1 of 4 stars; one submission).

Conditions:
Bardet-Biedl syndrome (BBS). Identifiers: Orphanet 110, MedGen C0752166, MONDO:0015229.

gnomAD v4.1: 2 of 1,613,874 alleles (0.00012%); highest among the groups gnomAD compares: Non-Finnish European, 0.00017%; no homozygotes.

Submission:

Labcorp Genetics (formerly Invitae), Labcorp
Classification: Uncertain significance for Bardet-Biedl syndrome. Last evaluated: 2022-06-15. Review status: criteria provided, single submitter. Criteria: Invitae Variant Classification Sherloc (09022015). Collection method: clinical testing. Allele origin: germline.
Comment: This sequence change replaces leucine, which is neutral and non-polar, with glutamine, which is neutral and polar, at codon 863 of the BBS9 protein (p.Leu863Gln). In summary, the available evidence is currently insufficient to determine the role of this variant in disease. Therefore, it has been classified as a Variant of Uncertain Significance. Algorithms developed to predict the effect of missense changes on protein structure and function are either unavailable or do not agree on the potential impact of this missense change (SIFT: "Deleterious"; PolyPhen-2: "Benign"; Align-GVGD: "Class C0"). This variant has not been reported in the literature in individuals affected with BBS9-related conditions. This variant is not present in population databases (gnomAD no frequency).

NM_198428.3(BBS9):c.2588T>A (p.Leu863Gln)

Gene: BBS9 (Bardet-Biedl syndrome 9; plus strand). Cytogenetic location: 7p14.3.
Variant type: single nucleotide variant.
Coding change: c.2588T>A on transcript NM_198428.3 (MANE Select); coding-DNA position 2588, T replaced by A.
Protein change: p.Leu863Gln; replaces leucine 863 with glutamine.
Molecular consequence: missense variant. On other transcripts: non-coding transcript variant (3), intron variant (1).
Genome position (GRCh38, 1-based): chr7:33,604,931, T>A. VCF-style: chr7-33604931-T-A. GRCh37 (hg19) VCF-style: chr7-33644543-T-A.
Other names: c.2483T>A, p.Leu828Gln (NM_001033604.2); c.2573T>A, p.Leu858Gln (NM_001033605.2); c.2588T>A, p.Leu863Gln (NM_001348036.1, NM_001348041.4, NM_001348043.3 and 1 more transcripts); c.2039T>A, p.Leu680Gln (NM_001348037.3); c.2315T>A, p.Leu772Gln (NM_001348038.3); c.2210T>A, p.Leu737Gln (NM_001348039.3); c.2468T>A, p.Leu823Gln (NM_001348040.3, NM_014451.4); c.2453T>A, p.Leu818Gln (NM_001348042.3); and 3 more; short protein forms L737Q, L741Q, L772Q, L680Q, L818Q, L858Q, L706Q, L823Q.
Identifiers: ClinVar variation 2007052 (VCV002007052.4), dbSNP rs2538379482, ClinGen allele CA367256507.